The following is an entry in ClinVar:

ClinVar aggregate classification (germline): Conflicting classifications of pathogenicity. Review status: criteria provided, conflicting classifications (1 of 4 stars). 4 submissions from 4 submitters: Uncertain significance (3); Likely benign (1). Last evaluated 2026-03-02.

Conditions:
PDE6A-related disorder. Also called: PDE6A-related condition.
Inborn genetic diseases. Identifiers: MedGen C0950123, MeSH D030342.

Allele frequency attached by ClinVar (database versions not stated): ExAC 0.00007; gnomAD 0.00009; TOPMed 0.00009; 1000 Genomes Project 0.00080; 1000 Genomes Project 30x 0.00109.

Submissions (4):

PreventionGenetics, part of Exact Sciences
Classification: Uncertain significance for PDE6A-related condition. Last evaluated: 2026-03-02. Review status: criteria provided, single submitter. Criteria: ACMG Guidelines, 2015. Collection method: clinical testing. Allele origin: germline.
Comment: The PDE6A c.457G>A variant is predicted to result in the amino acid substitution p.Val153Ile. To our knowledge, this variant has not been reported in the literature. This variant is reported in 0.028% of alleles in individuals of African descent in gnomAD. At this time, the clinical significance of this variant is uncertain due to the absence of conclusive functional and genetic evidence.

Labcorp Genetics (formerly Invitae), Labcorp
Classification: Likely benign. Last evaluated: 2025-12-03. Review status: criteria provided, single submitter. Criteria: Invitae Variant Classification Sherloc (09022015). Collection method: clinical testing. Allele origin: germline.

Ambry Genetics
Classification: Uncertain significance for Inborn genetic diseases. Last evaluated: 2025-08-22. Review status: criteria provided, single submitter. Criteria: Ambry Variant Classification Scheme 2023. Collection method: clinical testing. Allele origin: germline.

Blueprint Genetics
Classification: Uncertain significance. Last evaluated: 2024-05-28. Review status: criteria provided, single submitter. Criteria: ACMG Guidelines, 2015. Collection method: clinical testing. Allele origin: germline.

NM_000440.3(PDE6A):c.457G>A (p.Val153Ile)

Gene: PDE6A (phosphodiesterase 6A; minus strand). Cytogenetic location: 5q32.
Variant type: single nucleotide variant.
Coding change: c.457G>A on transcript NM_000440.3 (MANE Select); coding-DNA position 457, G replaced by A.
Protein change: p.Val153Ile; replaces valine 153 with isoleucine.
Molecular consequence: missense variant.
Genome position (GRCh38, 1-based): chr5:149,944,217, C>T on the plus strand (G>A on the coding strand, the complement: PDE6A is on the minus strand). VCF-style: chr5-149944217-C-T. GRCh37 (hg19) VCF-style: chr5-149323780-C-T.
Other names: c.457G>A (NM_000440.2); short protein forms V153I.
Identifiers: ClinVar variation 1440559 (VCV001440559.9), dbSNP rs556692354, ClinGen allele CA3505051.